The following is an entry in ClinVar:

NM_024685.4(BBS10):c.1211A>G (p.His404Arg)

Gene: BBS10 (Bardet-Biedl syndrome 10; minus strand). Cytogenetic location: 12q21.2.
Variant type: single nucleotide variant.
Coding change: c.1211A>G on transcript NM_024685.4 (MANE Select); coding-DNA position 1211, A replaced by G.
Protein change: p.His404Arg; replaces histidine 404 with arginine.
Molecular consequence: missense variant.
Genome position (GRCh38, 1-based): chr12:76,346,774, T>C on the plus strand (A>G on the coding strand, the complement: BBS10 is on the minus strand). VCF-style: chr12-76346774-T-C. GRCh37 (hg19) VCF-style: chr12-76740554-T-C.
Other names: short protein forms H404R.
Identifiers: ClinVar variation 840475 (VCV000840475.7), dbSNP rs964776134, ClinGen allele CA239331987.

ClinVar aggregate classification (germline): Uncertain significance. Review status: criteria provided, single submitter (1 of 4 stars). 2 submissions from 2 submitters: Uncertain significance (1). 1 of the submissions does not count toward it. Last evaluated 2021-08-27.

Conditions:
Bardet-Biedl syndrome (BBS). Identifiers: Orphanet 110, MedGen C0752166, MONDO:0015229.
Bardet-Biedl syndrome 10 (BBS10). Identifiers: Orphanet 110, MedGen C1859568, MONDO:0014438, OMIM 615987.

Allele frequency attached by ClinVar (database versions not stated): gnomAD exomes below 0.00001; gnomAD 0.00001; TOPMed 0.00001.
gnomAD v4.1: 5 of 1,614,180 alleles (0.00031%); highest among the groups gnomAD compares: South Asian, 0.0044%; no homozygotes.

Submissions (2):

Labcorp Genetics (formerly Invitae), Labcorp
Classification: Uncertain significance for Bardet-Biedl syndrome. Last evaluated: 2021-08-27. Review status: criteria provided, single submitter. Criteria: Invitae Variant Classification Sherloc (09022015). Collection method: clinical testing. Allele origin: germline.
Comment: This sequence change replaces histidine with arginine at codon 404 of the BBS10 protein (p.His404Arg). The histidine residue is weakly conserved and there is a small physicochemical difference between histidine and arginine. This variant is not present in population databases (ExAC no frequency). This variant has not been reported in the literature in individuals affected with BBS10-related conditions. Algorithms developed to predict the effect of missense changes on protein structure and function (SIFT, PolyPhen-2, Align-GVGD) all suggest that this variant is likely to be tolerated. In summary, the available evidence is currently insufficient to determine the role of this variant in disease. Therefore, it has been classified as a Variant of Uncertain Significance.

Natera, Inc.
Classification: Uncertain significance for Bardet-Biedl syndrome type 10. Last evaluated: 2020-02-21. Review status: no assertion criteria provided. Collection method: clinical testing. Allele origin: germline. Not counted in ClinVar's aggregate classification.